The following is an entry in ClinVar:

NM_017780.4(CHD7):c.4851-2A>G

Gene: CHD7 (chromodomain helicase DNA binding protein 7; plus strand). Cytogenetic location: 8q12.2.
Variant type: single nucleotide variant.
Coding change: c.4851-2A>G on transcript NM_017780.4 (MANE Select); the canonical splice acceptor site of the intron before coding-DNA position 4851, A replaced by G.
Molecular consequence: splice acceptor variant. On other transcripts: intron variant (1).
Genome position (GRCh38, 1-based): chr8:60,844,862, A>G. VCF-style: chr8-60844862-A-G. GRCh37 (hg19) VCF-style: chr8-61757421-A-G.
Other names: c.1717-17367A>G (NM_001316690.1).
Identifiers: ClinVar variation 4819314 (VCV004819314.1).

ClinVar aggregate classification (germline): Likely pathogenic (1 of 4 stars; one submission).

Conditions:
CHD7-related CHARGE syndrome. Identifiers: MedGen CN380413, MONDO:1010178, OMIM 214800.

Submission:

Molecular Genetics Laboratory, Motol Hospital
Classification: Likely pathogenic for CHD7-related CHARGE syndrome. Last evaluated: 2012-07-19. Review status: criteria provided, single submitter. Criteria: ACMG Guidelines, 2015. Collection method: clinical testing. Allele origin: germline. Affected: yes. Observed: 1 variant allele.
Comment: Rare loss-of-function variants in the CHD7 gene are associated with autosomal dominant CHARGE syndrome (MIM:214800). Rare variant not present in the non-Finnish European poulation (gnomAD v4.1.0). The variant alters the canonical sequence of the acceptor splice site on the bordeline of the intron 21/exon22. The variant is classified as likely pathogenic.